The following is an entry in ClinVar:

ClinVar aggregate classification (germline): Benign (0 of 4 stars; one submission).

Conditions:
UBN2-related disorder. Also called: UBN2-related condition.

Allele frequency attached by ClinVar (database versions not stated): 1000 Genomes Project 30x 0.00031; 1000 Genomes Project 0.00040; TOPMed 0.00056; ESP Exome Variant Server 0.00075; gnomAD exomes 0.00121; ExAC 0.00122; gnomAD 0.00135.
gnomAD v4.1: 1,950 of 1,614,050 alleles (0.12%); highest among the groups gnomAD compares: Non-Finnish European, 0.11%; 4 homozygotes.

Submission:

PreventionGenetics, part of Exact Sciences
Classification: Benign for UBN2-related condition. Last evaluated: 2019-07-15. Review status: no assertion criteria provided. Collection method: clinical testing. Allele origin: germline.
Comment: This variant is classified as benign based on ACMG/AMP sequence variant interpretation guidelines (Richards et al. 2015 PMID: 25741868, with internal and published modifications).

NM_173569.4(UBN2):c.2471C>T (p.Thr824Ile)

Gene: UBN2 (ubinuclein 2; plus strand). Cytogenetic location: 7q34.
Variant type: single nucleotide variant.
Coding change: c.2471C>T on transcript NM_173569.4 (MANE Select); coding-DNA position 2471, C replaced by T.
Protein change: p.Thr824Ile; replaces threonine 824 with isoleucine.
Molecular consequence: missense variant.
Genome position (GRCh38, 1-based): chr7:139,283,376, C>T. VCF-style: chr7-139283376-C-T. GRCh37 (hg19) VCF-style: chr7-138968122-C-T.
Other names: short protein forms T824I.
Identifiers: ClinVar variation 3049290 (VCV003049290.2), dbSNP rs188131337, ClinGen allele CA4509188.
Genomic context (GRCh38, chr7:139,283,376, plus strand): 5'-AAAAATTAGCAAGTATCATGAGTAAGCTGCCACTAGCTACTCCCAAAAAACTAGATTCTA[C>T]TCAGACTACACATTCTTCAAGTCTTATTGCTGGTCACACAGGGCCAGTACCAAAGAAACC-3'
Protein context (NP_775840.3, residues 814-834): PLATPKKLDS[Thr824Ile]QTTHSSSLIA